The following is an entry in ClinVar:

NM_016507.4(CDK12):c.806C>G (p.Thr269Ser)

Genes: CDK12 (cyclin dependent kinase 12; plus strand), LOC126862553 (CDK7 strongly-dependent group 2 enhancer GRCh37_chr17:37618166-37619365; plus strand). Cytogenetic location: 17q12.
Variant type: single nucleotide variant.
Coding change: c.806C>G on transcript NM_016507.4 (MANE Select); coding-DNA position 806, C replaced by G.
Protein change: p.Thr269Ser; replaces threonine 269 with serine.
Molecular consequence: missense variant.
Genome position (GRCh38, 1-based): chr17:39,462,877, C>G. VCF-style: chr17-39462877-C-G. GRCh37 (hg19) VCF-style: chr17-37619130-C-G.
Other names: c.806C>G, p.Thr269Ser (NM_015083.4); short protein forms T269S.
Identifiers: ClinVar variation 3999249 (VCV003999249.1).

ClinVar aggregate classification (germline): Uncertain significance (1 of 4 stars; one submission).

Submission:

Ambry Genetics
Classification: Uncertain significance. Last evaluated: 2025-03-22. Review status: criteria provided, single submitter. Criteria: Ambry Variant Classification Scheme 2023. Collection method: clinical testing. Allele origin: germline.
Comment: The p.T269S variant (also known as c.806C>G), located in coding exon 1 of the CDK12 gene, results from a C to G substitution at nucleotide position 806. The threonine at codon 269 is replaced by serine, an amino acid with similar properties. This amino acid position is conserved. In addition, this alteration is predicted to be tolerated by in silico analysis. Based on the available evidence, the clinical significance of this variant remains unclear.